The following is an entry in ClinVar:

ClinVar aggregate classification (germline): Uncertain significance (1 of 4 stars; one submission).

Conditions:
Cardiovascular phenotype. Identifiers: MedGen CN230736.

Submission:

Ambry Genetics
Classification: Uncertain significance for Cardiovascular phenotype. Last evaluated: 2023-09-22. Review status: criteria provided, single submitter. Criteria: Ambry Variant Classification Scheme 2023. Collection method: clinical testing. Allele origin: germline.
Comment: The p.Y626N variant (also known as c.1876T>A), located in coding exon 11 of the LMNA gene, results from a T to A substitution at nucleotide position 1876. The tyrosine at codon 626 is replaced by asparagine, an amino acid with dissimilar properties. This amino acid position is well conserved in available vertebrate species. In addition, this alteration is predicted to be deleterious by in silico analysis. Since supporting evidence is limited at this time, the clinical significance of this alteration remains unclear.

NM_170707.4(LMNA):c.1876T>A (p.Tyr626Asn)

Gene: LMNA (lamin A/C; plus strand). Cytogenetic location: 1q22.
Variant type: single nucleotide variant.
Coding change: c.1876T>A on transcript NM_170707.4 (MANE Select); coding-DNA position 1876, T replaced by A.
Protein change: p.Tyr626Asn; replaces tyrosine 626 with asparagine.
Molecular consequence: missense variant. On other transcripts: intron variant (1).
Genome position (GRCh38, 1-based): chr1:156,138,665, T>A. VCF-style: chr1-156138665-T-A. GRCh37 (hg19) VCF-style: chr1-156108456-T-A.
Other names: c.1540T>A, p.Tyr514Asn (NM_001257374.3, NM_001406989.1); c.1876T>A, p.Tyr626Asn (NM_001406983.1, NM_001406985.1, NM_001406991.1); c.1633T>A, p.Tyr545Asn (NM_001406986.1, NM_001406987.1); c.1579T>A, p.Tyr527Asn (NM_001406988.1); c.1318T>A, p.Tyr440Asn (NM_001406990.1, NM_001406993.1, NM_001406995.1 and 2 more transcripts); c.1252T>A, p.Tyr418Asn (NM_001406994.1, NM_001406999.1, NM_001407000.1 and 1 more transcripts); c.1786T>A, p.Tyr596Asn (NM_170708.4); c.1818+58T>A (NM_001282626.2); short protein forms Y418N, Y440N, Y514N, Y527N, Y545N, Y596N, Y626N.
Identifiers: ClinVar variation 3229276 (VCV003229276.1), dbSNP rs2528029995, ClinGen allele CA342827524.